The following is an entry in ClinVar:

NM_001267550.2(TTN):c.18437T>C (p.Ile6146Thr)

Genes: TTN (titin; minus strand), LOC126806430 (BRD4-independent group 4 enhancer GRCh37_chr2:179593794-179594993; plus strand). Cytogenetic location: 2q31.2.
Variant type: single nucleotide variant.
Coding change: c.18437T>C on transcript NM_001267550.2 (MANE Select); coding-DNA position 18437, T replaced by C.
Protein change: p.Ile6146Thr; replaces isoleucine 6146 with threonine.
Molecular consequence: missense variant. On other transcripts: intron variant (3).
Genome position (GRCh38, 1-based): chr2:178,729,816, A>G on the plus strand (T>C on the coding strand, the complement: TTN is on the minus strand). VCF-style: chr2-178729816-A-G. GRCh37 (hg19) VCF-style: chr2-179594543-A-G.
Other names: c.17486T>C, p.Ile5829Thr (NM_001256850.1); c.14705T>C, p.Ile4902Thr (NM_133378.4); c.13282+8266T>C (NM_003319.4); c.13858+8266T>C (NM_133437.4); c.13657+8266T>C (NM_133432.3); short protein forms I4902T, I5829T, I6146T.
Identifiers: ClinVar variation 680388 (VCV000680388.1), dbSNP rs1578142340, ClinGen allele CA349562287.

ClinVar aggregate classification (germline): Likely benign (1 of 4 stars; one submission).

Allele frequency attached by ClinVar (database versions not stated): gnomAD exomes below 0.00001.
gnomAD v4.1: 2 of 1,613,662 alleles (0.00012%); highest among the groups gnomAD compares: African/African-American, 0.0013%; no homozygotes.

Submission:

GeneDx
Classification: Likely benign. Last evaluated: 2018-03-20. Review status: criteria provided, single submitter. Criteria: GeneDx Variant Classification (06012015). Collection method: clinical testing. Allele origin: germline. Affected: yes.
Comment: This variant is considered likely benign or benign based on one or more of the following criteria: it is a conservative change, it occurs at a poorly conserved position in the protein, it is predicted to be benign by multiple in silico algorithms, and/or has population frequency not consistent with disease.